The following is an entry in ClinVar:

NM_001370298.3(FGD4):c.*1954A>G

Gene: FGD4 (FYVE, RhoGEF and PH domain containing 4; plus strand). Cytogenetic location: 12p11.21.
Variant type: single nucleotide variant.
Coding change: c.*1954A>G on transcript NM_001370298.3 (MANE Select); 1954 bases downstream of the stop codon, A replaced by G.
Molecular consequence: 3 prime UTR variant. On other transcripts: intron variant (3).
Genome position (GRCh38, 1-based): chr12:32,642,487, A>G. VCF-style: chr12-32642487-A-G. GRCh37 (hg19) VCF-style: chr12-32795421-A-G.
Other names: c.*1954A>G (NM_001304481.2, NM_001304484.2, NM_001330373.2 and 5 more transcripts); c.2632+2034A>G (NM_001384126.1); c.2221+2034A>G (NM_001384127.1, NM_001384128.1).
Identifiers: ClinVar variation 308327 (VCV000308327.6), dbSNP rs1239829, ClinGen allele CA10641861.

ClinVar aggregate classification (germline): Benign. Review status: criteria provided, multiple submitters, no conflicts (2 of 4 stars). 2 submissions from 2 submitters: Benign (2). Last evaluated 2018-01-13.

Conditions:
Charcot-Marie-Tooth disease type 4H (CMT4H). Also called: CHARCOT-MARIE-TOOTH DISEASE, AUTOSOMAL RECESSIVE, TYPE 4H; CHARCOT-MARIE-TOOTH DISEASE, DEMYELINATING, AUTOSOMAL RECESSIVE, TYPE 4H; CHARCOT-MARIE-TOOTH NEUROPATHY, TYPE 4H; CHARCOT-MARIE-TOOTH DISEASE, DEMYELINATING, TYPE 4H. Identifiers: Orphanet 99954, MedGen C1836336, MONDO:0012250, OMIM 609311.

Allele frequency attached by ClinVar (database versions not stated): TOPMed 0.64066; 1000 Genomes Project 0.74181; 1000 Genomes Project 30x 0.74485.

Submissions (2):

Illumina Laboratory Services, Illumina
Classification: Benign for Charcot-Marie-Tooth disease type 4H. Last evaluated: 2018-01-13. Review status: criteria provided, single submitter. Criteria: ICSL Variant Classification Criteria 13 December 2019. Collection method: clinical testing. Allele origin: germline.
Comment: This variant was observed in the ICSL laboratory as part of a predisposition screen in an ostensibly healthy population. It had not been previously curated by ICSL or reported in the Human Gene Mutation Database (HGMD: prior to June 1st, 2018), and was therefore a candidate for classification through an automated scoring system. Utilizing variant allele frequency, disease prevalence and penetrance estimates, and inheritance mode, an automated score was calculated to assess if this variant is too frequent to cause the disease. Based on the score and internal cut-off values, a variant classified as benign is not then subjected to further curation. The score for this variant resulted in a classification of benign for this disease.

Breakthrough Genomics
Classification: Benign. Review status: criteria provided, single submitter. Criteria: ACMG Guidelines, 2015. Collection method: not provided. Allele origin: germline. Inheritance: Autosomal recessive inheritance. Affected: yes.